The following is an entry in ClinVar:

ClinVar aggregate classification (germline): Uncertain significance. Review status: criteria provided, multiple submitters, no conflicts (2 of 4 stars). 3 submissions from 3 submitters: Uncertain significance (3). Last evaluated 2025-04-28.

Conditions:
Hereditary cancer-predisposing syndrome. Also called: Hereditary neoplastic syndrome; Neoplastic Syndromes, Hereditary; Hereditary Cancer Syndrome; Tumor predisposition. Identifiers: Orphanet 140162, MedGen C0027672, MeSH D009386, MONDO:0015356.
Familial cancer of breast. Also called: Hereditary breast cancer; BREAST CANCER, FAMILIAL; hereditary breast carcinoma. Identifiers: Orphanet 227535, MedGen C0346153, MONDO:0016419, OMIM 114480. Disease mechanism: loss of function.

Allele frequency attached by ClinVar (database versions not stated): gnomAD exomes 0.00001.
gnomAD v4.1: 5 of 1,613,790 alleles (0.00031%); highest among the groups gnomAD compares: Admixed American, 0.0017%; no homozygotes.

Submissions (3):

Labcorp Genetics (formerly Invitae), Labcorp
Classification: Uncertain significance for Familial cancer of breast. Last evaluated: 2025-04-28. Review status: criteria provided, single submitter. Criteria: Invitae Variant Classification Sherloc (09022015). Collection method: clinical testing. Allele origin: germline.
Comment: This sequence change replaces threonine, which is neutral and polar, with isoleucine, which is neutral and non-polar, at codon 309 of the BARD1 protein (p.Thr309Ile). This variant is present in population databases (no rsID available, gnomAD 0.003%). This variant has not been reported in the literature in individuals affected with BARD1-related conditions. ClinVar contains an entry for this variant (Variation ID: 965679). An algorithm developed to predict the effect of missense changes on protein structure and function (PolyPhen-2) suggests that this variant is likely to be tolerated. In summary, the available evidence is currently insufficient to determine the role of this variant in disease. Therefore, it has been classified as a Variant of Uncertain Significance.

Center for Genomic Medicine, Rigshospitalet, Copenhagen University Hospital
Classification: Uncertain significance. Last evaluated: 2025-03-04. Review status: criteria provided, single submitter. Criteria: ACMG Guidelines, 2015. Collection method: clinical testing. Allele origin: germline.

Ambry Genetics
Classification: Uncertain significance for Hereditary cancer-predisposing syndrome. Last evaluated: 2024-12-07. Review status: criteria provided, single submitter. Criteria: Ambry Variant Classification Scheme 2023. Collection method: clinical testing. Allele origin: germline.
Comment: The p.T309I variant (also known as c.926C>T), located in coding exon 4 of the BARD1 gene, results from a C to T substitution at nucleotide position 926. The threonine at codon 309 is replaced by isoleucine, an amino acid with similar properties. This amino acid position is not well conserved in available vertebrate species. In addition, this alteration is predicted to be tolerated by in silico analysis. Since supporting evidence is limited at this time, the clinical significance of this alteration remains unclear.

NM_000465.4(BARD1):c.926C>T (p.Thr309Ile)

Gene: BARD1 (BRCA1 associated RING domain 1; minus strand). Cytogenetic location: 2q35.
Variant type: single nucleotide variant.
Coding change: c.926C>T on transcript NM_000465.4 (MANE Select); coding-DNA position 926, C replaced by T.
Protein change: p.Thr309Ile; replaces threonine 309 with isoleucine.
Molecular consequence: missense variant. On other transcripts: non-coding transcript variant (2), intron variant (3).
Genome position (GRCh38, 1-based): chr2:214,780,948, G>A on the plus strand (C>T on the coding strand, the complement: BARD1 is on the minus strand). VCF-style: chr2-214780948-G-A. GRCh37 (hg19) VCF-style: chr2-215645672-G-A.
Other names: c.869C>T, p.Thr290Ile (NM_001282543.2); c.159-28393C>T (NM_001282548.2); c.215+16113C>T (NM_001282545.2); c.364+11349C>T (NM_001282549.2); short protein forms T290I, T309I.
Identifiers: ClinVar variation 965679 (VCV000965679.16), dbSNP rs1236791029, ClinGen allele CA350455016.